The following is an entry in ClinVar:

NC_000009.11:g.(?_139390513)_(139440248_?)dup

Gene: NOTCH1 (notch receptor 1; minus strand). Cytogenetic location: 9q34.3.
Variant type: Duplication.
Identifiers: ClinVar variation 1042480 (VCV001042480.1).

ClinVar aggregate classification (germline): Uncertain significance (1 of 4 stars; one submission).

Conditions:
Adams-Oliver syndrome 5 (AOS5). Identifiers: Orphanet 974, MedGen C4014970, MONDO:0014459, OMIM 616028.

Submission:

Labcorp Genetics (formerly Invitae), Labcorp
Classification: Uncertain significance for Adams-Oliver syndrome 5. Last evaluated: 2020-05-30. Review status: criteria provided, single submitter. Criteria: Invitae Variant Classification Sherloc (09022015). Collection method: clinical testing. Allele origin: germline.
Comment: This variant results in a copy number gain of the genomic region encompassing the full coding sequence of the NOTCH1 gene. The boundaries of this event are unknown as they extend beyond the assayed region for this gene and therefore may encompass additional genes. As the precise location of this event is unknown, it may be in tandem or it may be located elsewhere in the genome. Isolated whole-gene copy number gains of NOTCH1 have not been reported in the literature. However, larger copy number events that include this gene have been reported (PMID: 29907982). In summary, the available evidence is currently insufficient to determine the role of this variant in disease. Therefore, it has been classified as a Variant of Uncertain Significance.

Literature cited by the submitters: PubMed 29907982.